The following is an entry in ClinVar:

ClinVar aggregate classification (germline): Uncertain significance. Review status: criteria provided, multiple submitters, no conflicts (2 of 4 stars). 4 submissions from 4 submitters: Uncertain significance (4). Last evaluated 2024-07-01.

Conditions:
Familial cancer of breast. Also called: Hereditary breast cancer; hereditary breast carcinoma; BREAST CANCER, FAMILIAL. Identifiers: Orphanet 227535, MedGen C0346153, MONDO:0016419, OMIM 114480. Disease mechanism: loss of function.
Ataxia-telangiectasia syndrome (AT). Also called: Ataxia telangiectasia (A-T); ATAXIA-TELANGIECTASIA, COMPLEMENTATION GROUP A; ATAXIA-TELANGIECTASIA, FRESNO VARIANT; Ataxia-telangiectasia; Cerebello-oculocutaneous telangiectasia; Immunodeficiency with ataxia telangiectasia. Identifiers: Orphanet 100, MedGen C0004135, MONDO:0008840, OMIM 208900.
Hereditary cancer-predisposing syndrome. Also called: Tumor predisposition; Neoplastic Syndromes, Hereditary; Hereditary Cancer Syndrome; Hereditary neoplastic syndrome. Identifiers: Orphanet 140162, MedGen C0027672, MeSH D009386, MONDO:0015356.

Submissions (4):

CeGaT Center for Human Genetics Tuebingen
Classification: Uncertain significance. Last evaluated: 2024-07-01. Review status: criteria provided, single submitter. Criteria: CeGaT Center For Human Genetics Tuebingen Variant Classification Criteria Version 2. Collection method: clinical testing. Allele origin: germline. Affected: yes. Observed: 1 variant allele.
Comment: ATM: PM2

Ambry Genetics
Classification: Uncertain significance for Hereditary cancer-predisposing syndrome. Last evaluated: 2024-05-16. Review status: criteria provided, single submitter. Criteria: Ambry Variant Classification Scheme 2023. Collection method: clinical testing. Allele origin: germline.
Comment: The p.Q984E variant (also known as c.2950C>G), located in coding exon 19 of the ATM gene, results from a C to G substitution at nucleotide position 2950. The glutamine at codon 984 is replaced by glutamic acid, an amino acid with highly similar properties. This amino acid position is highly conserved in available vertebrate species. In addition, the in silico prediction for this alteration is inconclusive. Since supporting evidence is limited at this time, the clinical significance of this alteration remains unclear.

Labcorp Genetics (formerly Invitae), Labcorp
Classification: Uncertain significance for Ataxia-telangiectasia syndrome. Last evaluated: 2024-01-28. Review status: criteria provided, single submitter. Criteria: Invitae Variant Classification Sherloc (09022015). Collection method: clinical testing. Allele origin: germline.
Comment: This sequence change replaces glutamine, which is neutral and polar, with glutamic acid, which is acidic and polar, at codon 984 of the ATM protein (p.Gln984Glu). This variant is not present in population databases (gnomAD no frequency). This variant has not been reported in the literature in individuals affected with ATM-related conditions. ClinVar contains an entry for this variant (Variation ID: 1521191). An algorithm developed to predict the effect of missense changes on protein structure and function (PolyPhen-2) suggests that this variant is likely to be tolerated. In summary, the available evidence is currently insufficient to determine the role of this variant in disease. Therefore, it has been classified as a Variant of Uncertain Significance.

Baylor Genetics
Classification: Uncertain significance for Familial cancer of breast. Last evaluated: 2023-08-11. Review status: criteria provided, single submitter. Criteria: ACMG Guidelines, 2015. Collection method: clinical testing. Allele origin: unknown.

NM_000051.4(ATM):c.2950C>G (p.Gln984Glu)

Gene: ATM (ATM serine/threonine kinase; plus strand). Cytogenetic location: 11q22.3.
Variant type: single nucleotide variant.
Coding change: c.2950C>G on transcript NM_000051.4 (MANE Select); coding-DNA position 2950, C replaced by G.
Protein change: p.Gln984Glu; replaces glutamine 984 with glutamic acid.
Molecular consequence: missense variant.
Genome position (GRCh38, 1-based): chr11:108,271,279, C>G. VCF-style: chr11-108271279-C-G. GRCh37 (hg19) VCF-style: chr11-108142006-C-G.
Other names: c.2950C>G, p.Gln984Glu (NM_001351834.2); short protein forms Q984E.
Identifiers: ClinVar variation 1521191 (VCV001521191.29), dbSNP rs2135552016, ClinGen allele CA382547179.